The following is an entry in ClinVar:

ClinVar aggregate classification (germline): Uncertain significance (1 of 4 stars; one submission).

Conditions:
Hereditary cancer-predisposing syndrome. Also called: Neoplastic Syndromes, Hereditary; Tumor predisposition; Hereditary Cancer Syndrome; Hereditary neoplastic syndrome. Identifiers: Orphanet 140162, MedGen C0027672, MeSH D009386, MONDO:0015356.

Allele frequency attached by ClinVar (database versions not stated): gnomAD exomes below 0.00001; TOPMed below 0.00001.

Submission:

Ambry Genetics
Classification: Uncertain significance for Hereditary cancer-predisposing syndrome. Last evaluated: 2022-03-17. Review status: criteria provided, single submitter. Criteria: Ambry Variant Classification Scheme 2023. Collection method: clinical testing. Allele origin: germline.
Comment: The p.M1229T variant (also known as c.3686T>C), located in coding exon 17 of the MET gene, results from a T to C substitution at nucleotide position 3686. The amino acid change results in methionine to threonine at codon 1229, an amino acid with similar properties. However, this change occurs in the last base pair of coding exon 17, which makes it likely to have some effect on normal mRNA splicing. This alteration has been observed in at least one individual with a personal and/or family history that is consistent with MET-related disease (Ambry internal data). This nucleotide position is highly conserved in available vertebrate species. In silico splice site analysis predicts that this alteration may result in the creation or strengthening of a novel splice donor site. This amino acid position is highly conserved in available vertebrate species. In addition, as a missense substitution this is predicted to be inconclusive by in silico analysis. Since supporting evidence is limited at this time, the clinical significance of this alteration remains unclear.

NM_000245.4(MET):c.3632T>C (p.Met1211Thr)

Gene: MET (MET proto-oncogene, receptor tyrosine kinase; plus strand). Cytogenetic location: 7q31.2.
Variant type: single nucleotide variant.
Coding change: c.3632T>C on transcript NM_000245.4 (MANE Select); coding-DNA position 3632, T replaced by C.
Protein change: p.Met1211Thr; replaces methionine 1211 with threonine.
Molecular consequence: missense variant.
Genome position (GRCh38, 1-based): chr7:116,782,097, T>C. VCF-style: chr7-116782097-T-C. GRCh37 (hg19) VCF-style: chr7-116422151-T-C.
Other names: c.3686T>C, p.Met1229Thr (NM_001127500.3); c.2342T>C, p.Met781Thr (NM_001324402.2); short protein forms M1211T, M1229T, M781T.
Identifiers: ClinVar variation 1733924 (VCV001733924.2), dbSNP rs1795175502, ClinGen allele CA368991285.